The following is an entry in ClinVar:

NM_001174089.2(SLC4A11):c.2451G>A (p.Thr817=)

Gene: SLC4A11 (solute carrier family 4 member 11; minus strand). Cytogenetic location: 20p13.
Variant type: single nucleotide variant.
Coding change: c.2451G>A on transcript NM_001174089.2 (MANE Select); coding-DNA position 2451, G replaced by A.
Protein change: p.Thr817=; no amino-acid change (threonine 817 retained).
Molecular consequence: synonymous variant. On other transcripts: non-coding transcript variant (1).
Genome position (GRCh38, 1-based): chr20:3,228,366, C>T on the plus strand (G>A on the coding strand, the complement: SLC4A11 is on the minus strand). VCF-style: chr20-3228366-C-T. GRCh37 (hg19) VCF-style: chr20-3209012-C-T.
Other names: p.Thr833=; c.2580G>A, p.Thr860= (NM_001174090.2); c.2337G>A, p.Thr779= (NM_001363745.2); c.2499G>A, p.Thr833= (NM_032034.4).
Identifiers: ClinVar variation 338233 (VCV000338233.17), dbSNP rs58757394, ClinGen allele CA9741456.

ClinVar aggregate classification (germline): Benign/Likely benign. Review status: criteria provided, multiple submitters, no conflicts (2 of 4 stars). 6 submissions from 6 submitters: Benign (3); Likely benign (2). 1 of the submissions does not count toward it. Last evaluated 2026-02-04.

Conditions:
Corneal dystrophy. Identifiers: Orphanet 34533, MedGen C0010036, MONDO:0018102, HP:0001131.
Corneal dystrophy-perceptive deafness syndrome (CDPD). Also called: CORNEAL DYSTROPHY AND SENSORINEURAL DEAFNESS; HARBOYAN SYNDROME. Identifiers: Orphanet 1490, MedGen C1857572, MONDO:0009015, OMIM 217400.

Allele frequency attached by ClinVar (database versions not stated): gnomAD exomes 0.01524 and 0.02964; ExAC 0.03234; gnomAD 0.05710 and 0.05831; ESP Exome Variant Server 0.05867; TOPMed 0.06402; 1000 Genomes Project 30x 0.08948; 1000 Genomes Project 0.09006.
gnomAD v4.1: 31,742 of 1,613,150 alleles (2%); highest among the groups gnomAD compares: African/African-American, 17%; 1,699 homozygotes.

Submissions (6):

Labcorp Genetics (formerly Invitae), Labcorp
Classification: Benign. Last evaluated: 2026-02-04. Review status: criteria provided, single submitter. Criteria: Invitae Variant Classification Sherloc (09022015). Collection method: clinical testing. Allele origin: germline.

Mayo Clinic Laboratories, Mayo Clinic
Classification: Benign. Last evaluated: 2022-11-10. Review status: criteria provided, single submitter. Criteria: ACMG Guidelines, 2015. Collection method: clinical testing. Allele origin: germline. Observed: 2 variant alleles.

Athena Diagnostics
Classification: Benign. Last evaluated: 2018-09-14. Review status: criteria provided, single submitter. Criteria: Athena Diagnostics Criteria. Collection method: clinical testing. Allele origin: germline.

Illumina Laboratory Services, Illumina
Classification: Likely benign for Corneal dystrophy. Last evaluated: 2017-04-27. Review status: criteria provided, single submitter. Criteria: ICSL Variant Classification Criteria 13 December 2019. Collection method: clinical testing. Allele origin: germline.
Comment: This variant was observed as part of a predisposition screen in an ostensibly healthy population. A literature search was performed for the gene, cDNA change, and amino acid change (where applicable). No publications were found based on this search. Allele frequency data from public databases allowed determination this variant is unlikely to cause disease. Therefore, this variant is classified as likely benign.

Breakthrough Genomics
Classification: Likely benign. Review status: criteria provided, single submitter. Criteria: ACMG Guidelines, 2015. Collection method: not provided. Allele origin: germline. Inheritance: Autosomal recessive inheritance. Affected: yes.

Natera, Inc.
Classification: Benign for Harboyan syndrome. Last evaluated: 2020-09-16. Review status: no assertion criteria provided. Collection method: clinical testing. Allele origin: germline. Not counted in ClinVar's aggregate classification.